The following is an entry in ClinVar:

ClinVar aggregate classification (germline): Uncertain significance (1 of 4 stars; one submission).

Conditions:
Hereditary cancer-predisposing syndrome. Also called: Tumor predisposition; Hereditary Cancer Syndrome; Neoplastic Syndromes, Hereditary; Hereditary neoplastic syndrome. Identifiers: Orphanet 140162, MedGen C0027672, MeSH D009386, MONDO:0015356.

Submission:

Ambry Genetics
Classification: Uncertain significance for Hereditary cancer-predisposing syndrome. Last evaluated: 2024-03-21. Review status: criteria provided, single submitter. Criteria: Ambry Variant Classification Scheme 2023. Collection method: clinical testing. Allele origin: germline.
Comment: The p.R1038I variant (also known as c.3113G>T), located in coding exon 20 of the RAD50 gene, results from a G to T substitution at nucleotide position 3113. The arginine at codon 1038 is replaced by isoleucine, an amino acid with similar properties. This amino acid position is well conserved in available vertebrate species. In addition, this alteration is predicted to be tolerated by in silico analysis. Since supporting evidence is limited at this time, the clinical significance of this alteration remains unclear.

NM_005732.4(RAD50):c.3113G>T (p.Arg1038Ile)

Gene: RAD50 (RAD50 double strand break repair protein; plus strand). Cytogenetic location: 5q31.1.
Variant type: single nucleotide variant.
Coding change: c.3113G>T on transcript NM_005732.4 (MANE Select); coding-DNA position 3113, G replaced by T.
Protein change: p.Arg1038Ile; replaces arginine 1038 with isoleucine.
Molecular consequence: missense variant.
Genome position (GRCh38, 1-based): chr5:132,616,079, G>T. VCF-style: chr5-132616079-G-T. GRCh37 (hg19) VCF-style: chr5-131951771-G-T.
Other names: short protein forms R1038I.
Identifiers: ClinVar variation 822929 (VCV000822929.4), dbSNP rs1581008446, ClinGen allele CA360963698.